The following is an entry in ClinVar:

ClinVar aggregate classification (germline): Uncertain significance. Review status: criteria provided, multiple submitters, no conflicts (2 of 4 stars). 3 submissions from 3 submitters: Uncertain significance (3). Last evaluated 2026-01-30.

Conditions:
Hereditary cancer-predisposing syndrome. Also called: Hereditary neoplastic syndrome; Tumor predisposition; Neoplastic Syndromes, Hereditary; Hereditary Cancer Syndrome. Identifiers: Orphanet 140162, MedGen C0027672, MeSH D009386, MONDO:0015356.

Submissions (3):

Labcorp Genetics (formerly Invitae), Labcorp
Classification: Uncertain significance. Last evaluated: 2026-01-30. Review status: criteria provided, single submitter. Criteria: Invitae Variant Classification Sherloc (09022015). Collection method: clinical testing. Allele origin: germline.
Comment: This variant, c.5888_5914dup, results in the insertion of 9 amino acid(s) of the POLE protein (p.Glu1963_Asn1971dup), but otherwise preserves the integrity of the reading frame. This variant is present in population databases (rs778066364, gnomAD 0.008%). This variant has not been reported in the literature in individuals affected with POLE-related conditions. ClinVar contains an entry for this variant (Variation ID: 570599). Experimental studies and prediction algorithms are not available or were not evaluated, and the functional significance of this variant is currently unknown. In summary, the available evidence is currently insufficient to determine the role of this variant in disease. Therefore, it has been classified as a Variant of Uncertain Significance.

Center for Genomic Medicine, Rigshospitalet, Copenhagen University Hospital
Classification: Uncertain significance. Last evaluated: 2025-03-04. Review status: criteria provided, single submitter. Criteria: ACMG Guidelines, 2015. Collection method: clinical testing. Allele origin: germline.

Ambry Genetics
Classification: Uncertain significance for Hereditary cancer-predisposing syndrome. Last evaluated: 2024-12-31. Review status: criteria provided, single submitter. Criteria: Ambry Variant Classification Scheme 2023. Collection method: clinical testing. Allele origin: germline.
Comment: The c.5888_5914dup27 variant (also known as p.E1963_N1971dup), located in coding exon 43 of the POLE gene, results from an in-frame duplication of 27 nucleotides at nucleotide positions 5888 to 5914. This results in the duplication of 9 extra residues (EEEEAEESN) between codons 1963 and 1971. This amino acid region is not well conserved in available vertebrate species. In addition, the in silico prediction for this alteration is inconclusive (Choi Y et al. PLoS ONE. 2012; 7(10):e46688). Based on the available evidence, the clinical significance of this variant remains unclear.

NM_006231.4(POLE):c.5888_5914dup (p.Glu1963_Asn1971dup)

Gene: POLE (DNA polymerase epsilon, catalytic subunit; minus strand). Cytogenetic location: 12q24.33.
Variant type: Duplication.
Coding change: c.5888_5914dup on transcript NM_006231.4 (MANE Select); coding-DNA positions 5888 to 5914, 27 bases duplicated (AGGAGGAAGAGGCGGAGGAATCCAACG).
Protein change: p.Glu1963_Asn1971dup.
Molecular consequence: inframe insertion.
Genome position (GRCh38, 1-based): chr12:132,634,276-132,634,302, CGTTGGATTCCTCCGCCTCTTCCTCCT duplicated on the plus strand (AGGAGGAAGAGGCGGAGGAATCCAACG on the coding strand, the reverse complement: POLE is on the minus strand); duplicating any 27 consecutive bases within chr12:132,634,276-132,634,303 gives the same sequence; the c. name uses the placement nearest the transcript's 3' end. VCF-style (leftmost placement, unchanged base first): chr12-132634275-A-ACGTTGGATTCCTCCGCCTCTTCCTCCT. GRCh37 (hg19) VCF-style: chr12-133210861-A-ACGTTGGATTCCTCCGCCTCTTCCTCCT.
Other names: c.5888_5914dupAGGAGGAAGAGGCGGAGGAATCCAACG (NM_006231.2).
Identifiers: ClinVar variation 570599 (VCV000570599.11), dbSNP rs778066364, ClinGen allele CA6892336.